The following is an entry in ClinVar:

NM_016203.4(PRKAG2):c.1107-5dup

Gene: PRKAG2 (protein kinase AMP-activated non-catalytic subunit gamma 2; minus strand). Cytogenetic location: 7q36.1.
Variant type: Duplication.
Coding change: c.1107-5dup on transcript NM_016203.4 (MANE Select); 5 bases into the intron before coding-DNA position 1107, one base duplicated (C; older notation c.1107-5dupC).
Molecular consequence: intron variant.
Genome position (GRCh38, 1-based): chr7:151,568,847, G duplicated on the plus strand (C on the coding strand, the reverse complement: PRKAG2 is on the minus strand); the first of 3 consecutive G bases (chr7:151,568,847-151,568,849); duplicating any one gives the same sequence. VCF-style (leftmost placement, unchanged base first): chr7-151568846-T-TG. GRCh37 (hg19) VCF-style: chr7-151265932-T-TG.
Other names: c.816-5dup (NM_001407031.1); c.819-5dup (NM_001407030.1); c.1104-5dup (NM_001407023.1, NM_001407022.1); c.1107-5dup (NM_001407021.1); c.789-5dup (NM_001407032.1); c.972-5dup (NM_001407026.1, NM_001407027.1); c.975-5dup (NM_001040633.2, NM_001407024.1); c.783-5dup (NM_001407033.1); and 6 more.
Identifiers: ClinVar variation 3074047 (VCV003074047.1), dbSNP rs2536329443, ClinGen allele CA2825001561.

ClinVar aggregate classification (germline): Uncertain significance (1 of 4 stars; one submission).

Conditions:
Hypertrophic cardiomyopathy. Also called: HYPERTROPHIC MYOCARDIOPATHY. Identifiers: Orphanet 217569, MedGen C0007194, MeSH D002312, MONDO:0005045, HP:0001639.

Submission:

All of Us Research Program, National Institutes of Health
Classification: Uncertain significance for Hypertrophic cardiomyopathy. Last evaluated: 2023-10-23. Review status: criteria provided, single submitter. Criteria: ACMG Guidelines, 2015. Collection method: clinical testing. Allele origin: germline. Inheritance: Autosomal dominant inheritance. Observed: 1 variant allele, 1 heterozygote.
Comment: This variant causes an insertion of 1 nucleotide in intron 10 of the PRKAG2 gene. To our knowledge, functional studies have not been reported for this variant. This variant has not been reported in individuals affected with PRKAG2-related disorders in the literature. This variant has not been identified in the general population by the Genome Aggregation Database (gnomAD). The available evidence is insufficient to determine the role of this variant in disease conclusively. Therefore, this variant is classified as a Variant of Uncertain Significance.

This study involves interpretation of variants in research participants for the purpose of population health screening. Participant phenotype was not available at the time of variant classification. Additional details can be found in publication PMID: 35346344, PMCID: PMC8962531